The following is an entry in ClinVar:

ClinVar aggregate classification (germline): Uncertain significance (1 of 4 stars; one submission).

Conditions:
Inborn genetic diseases. Identifiers: MedGen C0950123, MeSH D030342.

Submission:

Ambry Genetics
Classification: Uncertain significance for Inborn genetic diseases. Last evaluated: 2025-12-15. Review status: criteria provided, single submitter. Criteria: Ambry Variant Classification Scheme 2023. Collection method: clinical testing. Allele origin: germline.
Comment: The c.4525C>T (p.Q1509*) alteration, located in exon 32 (coding exon 32) of the SYNJ1 gene, consists of a C to T substitution at nucleotide position 4525. This changes the amino acid from a glutamine (Q) to a stop codon at amino acid position 1509. This variant is not expected to trigger nonsense-mediated mRNA decay, and impacts the last 6.5% of the protein. The exact functional effect of this alteration is unknown. Based on data from gnomAD, the T allele has an overall frequency of 0.006% (14/251358) total alleles studied. The highest observed frequency was 0.046% (14/30616) of South Asian alleles. Based on insufficient or conflicting evidence, the clinical significance of this alteration remains unclear.

NM_203446.3(SYNJ1):c.*496C>T

Gene: SYNJ1 (synaptojanin 1; minus strand). Cytogenetic location: 21q22.11.
Variant type: single nucleotide variant.
Coding change: c.*496C>T on transcript NM_203446.3 (MANE Select); 496 bases downstream of the stop codon, C replaced by T.
Molecular consequence: 3 prime UTR variant. On other transcripts: nonsense (2).
Genome position (GRCh38, 1-based): chr21:32,631,309, G>A on the plus strand (C>T on the coding strand, the complement: SYNJ1 is on the minus strand). VCF-style: chr21-32631309-G-A. GRCh37 (hg19) VCF-style: chr21-34003619-G-A.
Other names: c.*496C>T (NM_001160302.2); c.4267C>T, p.Gln1423Ter (NM_001160306.2); c.4525C>T, p.Gln1509Ter (NM_003895.4); short protein forms Q1509*, Q1423*.
Identifiers: ClinVar variation 4830428 (VCV004830428.1).
Genomic context (GRCh38, chr21:32,631,309, plus strand): 5'-AATCCTCTTCTTCCTCGAAGGTTACCCATCCTTTCGGGTTGCTAATTTTTAATGTAGACT[G>A]GCCCTGTAGATCAAAACTGTCCTTAAAGCCATCAAGTGAAGATGAAGCCCTGCTTTTGTT-3'